The following is an entry in ClinVar:

ClinVar aggregate classification (germline): Conflicting classifications of pathogenicity. Review status: criteria provided, conflicting classifications (1 of 4 stars). 3 submissions from 3 submitters: Uncertain significance (2); Likely benign (1). Last evaluated 2024-10-29.

Conditions:
LAMA2-related muscular dystrophy (LAMA2-RD). Also called: Laminin alpha 2-related dystrophy. Identifiers: MedGen C5679788, MONDO:0100228.
Merosin deficient congenital muscular dystrophy (MDC1A). Also called: Congenital merosin-deficient muscular dystrophy 1A; Congenital Muscular Dystrophy Type 1A (MDC1A). Identifiers: Orphanet 258, MedGen C1263858, MONDO:0011925, OMIM 607855.

Allele frequency attached by ClinVar (database versions not stated): gnomAD exomes below 0.00001; TOPMed 0.00002.
gnomAD v4.1: 4 of 1,613,006 alleles (0.00025%); highest among the groups gnomAD compares: Admixed American, 0.0033%; no homozygotes.

Submissions (3):

Labcorp Genetics (formerly Invitae), Labcorp
Classification: Uncertain significance for LAMA2-related muscular dystrophy. Last evaluated: 2024-10-29. Review status: criteria provided, single submitter. Criteria: Invitae Variant Classification Sherloc (09022015). Collection method: clinical testing. Allele origin: germline.
Comment: This sequence change replaces phenylalanine, which is neutral and non-polar, with serine, which is neutral and polar, at codon 2184 of the LAMA2 protein (p.Phe2184Ser). This variant is not present in population databases (gnomAD no frequency). This variant has not been reported in the literature in individuals affected with LAMA2-related conditions. ClinVar contains an entry for this variant (Variation ID: 92977). Invitae Evidence Modeling of protein sequence and biophysical properties (such as structural, functional, and spatial information, amino acid conservation, physicochemical variation, residue mobility, and thermodynamic stability) indicates that this missense variant is not expected to disrupt LAMA2 protein function with a negative predictive value of 95%. In summary, the available evidence is currently insufficient to determine the role of this variant in disease. Therefore, it has been classified as a Variant of Uncertain Significance.

Mendelics
Classification: Likely benign for Merosin deficient congenital muscular dystrophy. Last evaluated: 2019-05-28. Review status: criteria provided, single submitter. Criteria: Mendelics Assertion Criteria 2017. Collection method: clinical testing. Allele origin: unknown.

Eurofins Ntd Llc (ga)
Classification: Uncertain significance. Last evaluated: 2013-07-23. Review status: criteria provided, single submitter. Criteria: EGL Classification Definitions 2015. Collection method: clinical testing. Allele origin: germline. Observed: 1 variant allele, 1 heterozygote.

NM_000426.4(LAMA2):c.6551T>C (p.Phe2184Ser)

Gene: LAMA2 (laminin subunit alpha 2; plus strand). Cytogenetic location: 6q22.33.
Variant type: single nucleotide variant.
Coding change: c.6551T>C on transcript NM_000426.4 (MANE Select); coding-DNA position 6551, T replaced by C.
Protein change: p.Phe2184Ser; replaces phenylalanine 2184 with serine.
Molecular consequence: missense variant.
Genome position (GRCh38, 1-based): chr6:129,453,109, T>C. VCF-style: chr6-129453109-T-C. GRCh37 (hg19) VCF-style: chr6-129774254-T-C.
Other names: c.6551T>C, p.Phe2184Ser (NM_001079823.2); short protein forms F2184S.
Identifiers: ClinVar variation 92977 (VCV000092977.10), dbSNP rs398123381, ClinGen allele CA220783.
Genomic context (GRCh38, chr6:129,453,109, plus strand): 5'-AAGGAAGTTACAATAATATTGTTGTCAACGTAAAGACAGCTGTTGCTGATAACCTCCTCT[T>C]TTATCTTGGAAGTGCCAAATTTGTAAGTCTAATATTCAACTTTTCATTAGGCTGCTGTAT-3'
Protein context (NP_000417.3, residues 2174-2194): VKTAVADNLL[Phe2184Ser]YLGSAKFIDF